The following is an entry in ClinVar:

ClinVar aggregate classification (germline): Likely benign. Review status: criteria provided, multiple submitters, no conflicts (2 of 4 stars). 3 submissions from 3 submitters: Likely benign (3). Last evaluated 2025-11-04.

Conditions:
DMXL2-related disorder. Also called: DMXL2-related condition.

Allele frequency attached by ClinVar (database versions not stated): gnomAD 0.00005; TOPMed 0.00008; ExAC 0.00009.
gnomAD v4.1: 44 of 1,614,066 alleles (0.0027%); highest among the groups gnomAD compares: East Asian, 0.091%; no homozygotes.

Submissions (3):

Labcorp Genetics (formerly Invitae), Labcorp
Classification: Likely benign. Last evaluated: 2025-11-04. Review status: criteria provided, single submitter. Criteria: Invitae Variant Classification Sherloc (09022015). Collection method: clinical testing. Allele origin: germline.

PreventionGenetics, part of Exact Sciences
Classification: Likely benign for DMXL2-related condition. Last evaluated: 2025-06-10. Review status: criteria provided, single submitter. Criteria: ACMG Guidelines, 2015. Collection method: clinical testing. Allele origin: germline.
Comment: This variant is classified as likely benign based on ACMG/AMP sequence variant interpretation guidelines (Richards et al. 2015 PMID: 25741868, with internal and published modifications).

Blueprint Genetics
Classification: Likely benign. Last evaluated: 2024-02-29. Review status: criteria provided, single submitter. Criteria: ACMG Guidelines, 2015. Collection method: clinical testing. Allele origin: germline.

NM_001378457.1(DMXL2):c.8302C>T (p.Leu2768=)

Gene: DMXL2 (Dmx like 2; minus strand). Cytogenetic location: 15q21.2.
Variant type: single nucleotide variant.
Coding change: c.8302C>T on transcript NM_001378457.1 (MANE Select); coding-DNA position 8302, C replaced by T.
Protein change: p.Leu2768=; no amino-acid change (leucine 2768 retained).
Molecular consequence: synonymous variant. On other transcripts: non-coding transcript variant (2).
Genome position (GRCh38, 1-based): chr15:51,457,363, G>A on the plus strand (C>T on the coding strand, the complement: DMXL2 is on the minus strand). VCF-style: chr15-51457363-G-A. GRCh37 (hg19) VCF-style: chr15-51749560-G-A.
Other names: c.8239C>T, p.Leu2747= (NM_001174116.3); c.6328C>T, p.Leu2110= (NM_001174117.3); c.8299C>T, p.Leu2767= (NM_001378458.1); c.8014C>T, p.Leu2672= (NM_001378459.1); c.6217C>T, p.Leu2073= (NM_001378460.1); c.8236C>T, p.Leu2746= (NM_015263.5); c.8239C>T (NM_001174116.1).
Identifiers: ClinVar variation 2070902 (VCV002070902.6), dbSNP rs747435445, ClinGen allele CA7561090.